The following is an entry in ClinVar:

ClinVar aggregate classification (germline): Conflicting classifications of pathogenicity. Review status: criteria provided, conflicting classifications (1 of 4 stars). 5 submissions from 5 submitters: Pathogenic (3); Uncertain significance (1). 1 of the submissions does not count toward it. Last evaluated 2025-11-26.

Conditions:
Hereditary cancer-predisposing syndrome. Also called: Tumor predisposition; Neoplastic Syndromes, Hereditary; Hereditary neoplastic syndrome; Hereditary Cancer Syndrome. Identifiers: Orphanet 140162, MedGen C0027672, MeSH D009386, MONDO:0015356.
Nijmegen breakage syndrome-like disorder (NBSLD). Also called: MICROCEPHALY AND SPONTANEOUS CHROMOSOME INSTABILITY WITHOUT IMMUNODEFICIENCY; NBS-LIKE DISORDER; RAD50 DEFICIENCY. Identifiers: Orphanet 240760, MedGen C2751318, MONDO:0013118, OMIM 613078.

Allele frequency attached by ClinVar (database versions not stated): TOPMed 0.00001; gnomAD exomes 0.00016 and 0.00046; ExAC 0.00028; gnomAD 0.00041 and 0.00042.

Submissions (5):

Labcorp Genetics (formerly Invitae), Labcorp
Classification: Pathogenic for Hereditary cancer-predisposing syndrome. Last evaluated: 2025-11-26. Review status: criteria provided, single submitter. Criteria: Invitae Variant Classification Sherloc (09022015). Collection method: clinical testing. Allele origin: germline.
Comment: This sequence change creates a premature translational stop signal (p.Ser229Argfs*6) in the RAD50 gene. It is expected to result in an absent or disrupted protein product. Loss-of-function variants in RAD50 are known to be pathogenic (PMID: 19409520). This variant is present in population databases (rs760146707, gnomAD 0.4%), and has an allele count higher than expected for a pathogenic variant. This premature translational stop signal has been observed in individual(s) with hereditary breast and ovarian cancer in that population (PMID: 14684699, 16385572, 16474176, 25452441). It is commonly reported in individuals of Finnish ancestry (PMID: 14684699, 16385572, 16474176, 25452441). ClinVar contains an entry for this variant (Variation ID: 185010). Algorithms developed to predict the effect of variants on gene product structure and function are not available or were not evaluated for this variant. Experimental studies have shown that this premature translational stop signal affects RAD50 function (PMID: 14684699, 16385572, 16474176). For these reasons, this variant has been classified as Pathogenic.

Blueprint Genetics
Classification: Uncertain significance. Last evaluated: 2023-12-15. Review status: criteria provided, single submitter. Criteria: ACMG Guidelines, 2015. Collection method: clinical testing. Allele origin: germline.

Ambry Genetics
Classification: Pathogenic for Hereditary cancer-predisposing syndrome. Last evaluated: 2023-04-28. Review status: criteria provided, single submitter. Criteria: Ambry Variant Classification Scheme 2023. Collection method: clinical testing. Allele origin: germline.
Comment: The c.687delT pathogenic mutation, located in coding exon 5 of the RAD50 gene, results from a deletion of one nucleotide at nucleotide position 687, causing a translational frameshift with a predicted alternate stop codon (p.S229Rfs*6). This alteration was first reported in 2/151 Finnish familial breast/ovarian cancer individuals as well as in 6/1000 cancer free controls (Heikkinen K, J. Med. Genet. 2003 Dec; 40(12):e131). In a case control study of 317 consecutive newly diagnosed Finnish breast cancer patients and 1000 geographically matched healthy controls, eight breast cancer patients and six controls were carriers (95% CI 1.5&ndash;12.5, P = 0.008). Haplotype analysis suggests this is a Finnish founder mutation (Heikkinen K, Carcinogenesis 2006 Aug; 27(8):1). In addition to the clinical data presented in the literature, this alteration is expected to result in loss of function by premature protein truncation or nonsense-mediated mRNA decay. As such, this alteration is interpreted as a disease-causing mutation.

Baylor Genetics
Classification: Pathogenic for Nijmegen breakage syndrome-like disorder. Last evaluated: 2022-06-15. Review status: criteria provided, single submitter. Criteria: ACMG Guidelines, 2015. Collection method: clinical testing. Allele origin: unknown.

Counsyl
Classification: Likely pathogenic for Nijmegen breakage syndrome-like disorder. Last evaluated: 2016-06-13. Review status: no assertion criteria provided. Collection method: clinical testing. Allele origin: unknown. Not counted in ClinVar's aggregate classification.

Literature cited by the submitters: PubMed 19409520 (cited by Labcorp Genetics (formerly Invitae), Labcorp); PubMed 14684699 (cited by 3 submitters); PubMed 16385572 (cited by 3 submitters); PubMed 16474176 (cited by 3 submitters); PubMed 25452441 (cited by Labcorp Genetics (formerly Invitae), Labcorp and Counsyl); PubMed 19190165 (cited by Ambry Genetics); PubMed 19904603 (cited by Ambry Genetics); PubMed 20571869 (cited by Ambry Genetics); PubMed 21811815 (cited by Ambry Genetics); PubMed 24093751 (cited by Ambry Genetics).

NM_005732.4(RAD50):c.687del (p.Ser229fs)

Gene: RAD50 (RAD50 double strand break repair protein; plus strand). Cytogenetic location: 5q31.1.
Variant type: Deletion.
Coding change: c.687del on transcript NM_005732.4 (MANE Select); coding-DNA position 687, one base deleted (T; older notation c.687delT).
Protein change: p.Ser229fs; shifts the reading frame from serine 229.
Molecular consequence: frameshift variant.
Genome position (GRCh38, 1-based): chr5:132,579,997, T deleted. VCF-style (leftmost placement, unchanged base first): chr5-132579996-GT-G. GRCh37 (hg19) VCF-style: chr5-131915688-GT-G.
Other names: c.687del (NM_005732.3); short protein forms S229fs.
Identifiers: ClinVar variation 185010 (VCV000185010.18), dbSNP rs760146707, ClinGen allele CA190771.
Genomic context (GRCh38, chr5:132,579,996, plus strand): 5'-AACTAAAATATCTGAAGCAATATAAGGAAAAAGCTTGTGAGATTCGTGATCAGATTACAA[GT>G]AAGGAAGCCCAGTTAACATCTTCAAAGGAAATTGTCAAATCCTATGAGAATGAACTTGAT-3'